The following is an entry in ClinVar:

NM_000350.3(ABCA4):c.850_857del (p.Ile284fs)

Gene: ABCA4 (ATP binding cassette subfamily A member 4; minus strand). Cytogenetic location: 1p22.1.
Variant type: Deletion.
Coding change: c.850_857del on transcript NM_000350.3 (MANE Select); coding-DNA positions 850 to 857, 8 bases deleted (ATTCAAGA; older notation c.850_857delATTCAAGA).
Protein change: p.Ile284fs; shifts the reading frame from isoleucine 284.
Molecular consequence: frameshift variant.
Genome position (GRCh38, 1-based): chr1:94,083,353-94,083,360, TCTTGAAT deleted on the plus strand (ATTCAAGA on the coding strand, the reverse complement: ABCA4 is on the minus strand); deleting any 8 consecutive bases within chr1:94,083,353-94,083,365 gives the same sequence; the c. name uses the placement nearest the transcript's 3' end. VCF-style (leftmost placement, unchanged base first): chr1-94083352-CTCTTGAAT-C. GRCh37 (hg19) VCF-style: chr1-94548908-CTCTTGAAT-C.
Other names: c.845_852delCAAGAATT, p.Ile284Valfs (NM_001425324.1); short protein forms I284fs.
Identifiers: ClinVar variation 282141 (VCV000282141.12), dbSNP rs886042320, ClinGen allele CA10604079.
Genomic context (GRCh38, chr1:94,083,352, plus strand): 5'-AGTGGGGTAAATGGTGGAAAGACATAATGAAATTATAATTACTACCATCAGGCTACTCAC[CTCTTGAAT>C]TCTTGGTGACATATCAGATAATATTCCTCCCCAAGATCTCAGATTGATACCTTGAGAACG-3'

ClinVar aggregate classification (germline): Pathogenic. Review status: criteria provided, multiple submitters, no conflicts (2 of 4 stars). 2 submissions from 2 submitters: Pathogenic (2). Last evaluated 2020-12-04.

Submissions (2):

Labcorp Genetics (formerly Invitae), Labcorp
Classification: Pathogenic. Last evaluated: 2020-12-04. Review status: criteria provided, single submitter. Criteria: Invitae Variant Classification Sherloc (09022015). Collection method: clinical testing. Allele origin: germline.
Comment: For these reasons, this variant has been classified as Pathogenic. This variant has been observed in individual(s) with Stargardt disease(PMID: 28885670). ClinVar contains an entry for this variant (Variation ID: 282141). This variant is not present in population databases (ExAC no frequency). This sequence change creates a premature translational stop signal (p.Ile284Valfs*35) in the ABCA4 gene. It is expected to result in an absent or disrupted protein product. Loss-of-function variants in ABCA4 are known to be pathogenic (PMID: 10958761, 24938718, 25312043, 26780318).

Eurofins Ntd Llc (ga)
Classification: Pathogenic. Last evaluated: 2015-08-10. Review status: criteria provided, single submitter. Criteria: EGL Classification Definitions 2015. Collection method: clinical testing. Allele origin: germline. Observed: 2 variant alleles, 2 heterozygotes.

Literature cited by the submitters: PubMed 28885670 (cited by Labcorp Genetics (formerly Invitae), Labcorp); PubMed 10958761 (cited by Labcorp Genetics (formerly Invitae), Labcorp); PubMed 24938718 (cited by Labcorp Genetics (formerly Invitae), Labcorp); PubMed 25312043 (cited by Labcorp Genetics (formerly Invitae), Labcorp); PubMed 26780318 (cited by Labcorp Genetics (formerly Invitae), Labcorp).